The following is an entry in ClinVar:

ClinVar aggregate classification (germline): Likely benign. Review status: criteria provided, multiple submitters, no conflicts (2 of 4 stars). 2 submissions from 2 submitters: Likely benign (2). Last evaluated 2025-12-29.

Conditions:
PPM1F-related condition.

Allele frequency attached by ClinVar (database versions not stated): gnomAD exomes 0.00005; ExAC 0.00017; TOPMed 0.00049; gnomAD 0.00054; ESP Exome Variant Server 0.00069; 1000 Genomes Project 0.00080; 1000 Genomes Project 30x 0.00094.
gnomAD v4.1: 149 of 1,610,868 alleles (0.0092%); highest among the groups gnomAD compares: African/African-American, 0.19%; no homozygotes.

Submissions (2):

PreventionGenetics, part of Exact Sciences
Classification: Likely benign for PPM1F-related condition. Last evaluated: 2025-12-29. Review status: criteria provided, single submitter. Criteria: ACMG Guidelines, 2015. Collection method: clinical testing. Allele origin: germline.
Comment: This variant is classified as likely benign based on ACMG/AMP sequence variant interpretation guidelines (Richards et al. 2015 PMID: 25741868, with internal and published modifications).

Labcorp Genetics (formerly Invitae), Labcorp
Classification: Likely benign. Last evaluated: 2024-04-25. Review status: criteria provided, single submitter. Criteria: Invitae Variant Classification Sherloc (09022015). Collection method: clinical testing. Allele origin: germline.

NM_014634.4(PPM1F):c.1017G>C (p.Gly339=)

Gene: PPM1F (protein phosphatase, Mg2+/Mn2+ dependent 1F; minus strand). Cytogenetic location: 22q11.22.
Variant type: single nucleotide variant.
Coding change: c.1017G>C on transcript NM_014634.4 (MANE Select); coding-DNA position 1017, G replaced by C.
Protein change: p.Gly339=; no amino-acid change (glycine 339 retained).
Molecular consequence: synonymous variant.
Genome position (GRCh38, 1-based): chr22:21,923,440, C>G on the plus strand (G>C on the coding strand, the complement: PPM1F is on the minus strand). VCF-style: chr22-21923440-C-G. GRCh37 (hg19) VCF-style: chr22-22277813-C-G.
Other names: c.1017G>C (NM_014634.3); c.513G>C, p.Gly171= (NM_001410836.1).
Identifiers: ClinVar variation 2719439 (VCV002719439.4), dbSNP rs141626312, ClinGen allele CA10124889.